The following is an entry in ClinVar:

NM_004586.3(RPS6KA3):c.460G>C (p.Asp154His)

Gene: RPS6KA3 (ribosomal protein S6 kinase A3; minus strand). Cytogenetic location: Xp22.12.
Variant type: single nucleotide variant.
Coding change: c.460G>C on transcript NM_004586.3 (MANE Select); coding-DNA position 460, G replaced by C.
Protein change: p.Asp154His; replaces aspartic acid 154 with histidine.
Molecular consequence: missense variant.
Genome position (GRCh38, 1-based): chrX:20,194,215, C>G on the plus strand (G>C on the coding strand, the complement: RPS6KA3 is on the minus strand). VCF-style: chrX-20194215-C-G. GRCh37 (hg19) VCF-style: chrX-20212333-C-G.
Other names: short protein forms D154H.
Identifiers: ClinVar variation 1697315 (VCV001697315.1), dbSNP rs2148701796, ClinGen allele CA412510293.

ClinVar aggregate classification (germline): Likely pathogenic (1 of 4 stars; one submission).

Conditions:
Intellectual developmental disorder, X-linked 19. Also called: Intellectual disability, X-linked 19. Identifiers: Orphanet 777, MedGen C0796225, MONDO:0010447, OMIM 300844.

Submission:

Institute of Human Genetics, University of Leipzig Medical Center
Classification: Likely pathogenic for Intellectual developmental disorder, X-linked 19. Last evaluated: 2022-06-08. Review status: criteria provided, single submitter. Criteria: ACMG Guidelines, 2015. Collection method: clinical testing. Allele origin: de novo. Affected: yes.
Comment: Despite strong evidence for its pathogenicity, this variant has to be classified as of unknown significance, according to the ACMG-criteria (Richards et al., 2015)_x000D_ Criteria applied: PM2_SUP, PM5, PP3, PP2, PS2_SUP